The following is an entry in ClinVar:

ClinVar aggregate classification (germline): Uncertain significance. Review status: criteria provided, multiple submitters, no conflicts (2 of 4 stars). 2 submissions from 2 submitters: Uncertain significance (2). Last evaluated 2023-02-16.

Conditions:
Fanconi anemia complementation group P. Also called: SLX4-Related Fanconi Anemia. Identifiers: Orphanet 84, MedGen C3469542, MONDO:0013499, OMIM 613951.
Fanconi anemia (FA). Also called: Fanconi's anemia. Identifiers: Orphanet 84, MedGen C0015625, MeSH D005199, MONDO:0019391.

Allele frequency attached by ClinVar (database versions not stated): TOPMed 0.00002; ExAC 0.00003; gnomAD 0.00001; gnomAD exomes 0.00004; ESP Exome Variant Server 0.00008.
gnomAD v4.1: 11 of 1,613,204 alleles (0.00068%); highest among the groups gnomAD compares: Admixed American, 0.015%; no homozygotes.

Submissions (2):

Labcorp Genetics (formerly Invitae), Labcorp
Classification: Uncertain significance for Fanconi anemia. Last evaluated: 2023-02-16. Review status: criteria provided, single submitter. Criteria: Invitae Variant Classification Sherloc (09022015). Collection method: clinical testing. Allele origin: germline.
Comment: In summary, the available evidence is currently insufficient to determine the role of this variant in disease. Therefore, it has been classified as a Variant of Uncertain Significance. This sequence change replaces glycine, which is neutral and non-polar, with serine, which is neutral and polar, at codon 797 of the SLX4 protein (p.Gly797Ser). This variant is present in population databases (rs373595621, gnomAD 0.03%). This variant has not been reported in the literature in individuals affected with SLX4-related conditions. ClinVar contains an entry for this variant (Variation ID: 941835). Algorithms developed to predict the effect of missense changes on protein structure and function output the following: SIFT: "Not Available"; PolyPhen-2: "Benign"; Align-GVGD: "Not Available". The serine amino acid residue is found in multiple mammalian species, which suggests that this missense change does not adversely affect protein function.

Fulgent Genetics
Classification: Uncertain significance for Fanconi anemia complementation group P. Last evaluated: 2021-11-08. Review status: criteria provided, single submitter. Criteria: ACMG Guidelines, 2015. Collection method: clinical testing. Allele origin: unknown.

NM_032444.4(SLX4):c.2389G>A (p.Gly797Ser)

Gene: SLX4 (SLX4 structure-specific endonuclease subunit; minus strand). Cytogenetic location: 16p13.3.
Variant type: single nucleotide variant.
Coding change: c.2389G>A on transcript NM_032444.4 (MANE Select); coding-DNA position 2389, G replaced by A.
Protein change: p.Gly797Ser; replaces glycine 797 with serine.
Molecular consequence: missense variant.
Genome position (GRCh38, 1-based): chr16:3,591,249, C>T on the plus strand (G>A on the coding strand, the complement: SLX4 is on the minus strand). VCF-style: chr16-3591249-C-T. GRCh37 (hg19) VCF-style: chr16-3641250-C-T.
Other names: short protein forms G797S.
Identifiers: ClinVar variation 941835 (VCV000941835.8), dbSNP rs373595621, ClinGen allele CA7866160.